The following is an entry in ClinVar:

ClinVar aggregate classification (germline): Uncertain significance. Review status: criteria provided, multiple submitters, no conflicts (2 of 4 stars). 2 submissions from 2 submitters: Uncertain significance (2). Last evaluated 2026-07-01.

Conditions:
Hereditary cancer-predisposing syndrome. Also called: Neoplastic Syndromes, Hereditary; Tumor predisposition; Hereditary Cancer Syndrome; Hereditary neoplastic syndrome. Identifiers: Orphanet 140162, MedGen C0027672, MeSH D009386, MONDO:0015356.

Submissions (2):

Ambry Genetics
Classification: Uncertain significance for Hereditary cancer-predisposing syndrome. Last evaluated: 2026-07-01. Review status: criteria provided, single submitter. Criteria: Ambry Variant Classification Scheme 2023. Collection method: clinical testing. Allele origin: germline.
Comment: The p.L633P variant (also known as c.1898T>C), located in coding exon 16 of the EGFR gene, results from a T to C substitution at nucleotide position 1898. The leucine at codon 633 is replaced by proline, an amino acid with similar properties. This amino acid position is conserved. In addition, this alteration is predicted to be tolerated by in silico analysis. Based on the available evidence, the clinical significance of this variant remains unclear.

Dasa
Classification: Uncertain significance. Last evaluated: 2026-02-17. Review status: criteria provided, single submitter. Criteria: DASA Assertion Criteria. Collection method: clinical testing. Allele origin: germline.
Comment: NM_201284.2(EGFR):c.1898T>C (p.Leu633Pro) is a missense variant that results in the substitution of leucine with proline. This variant is rare in population databases. The currently available literature and clinical evidence are not sufficient to establish a definitive association between this variant and the reported condition. Therefore, this variant is classified as a variant of uncertain significance.

NM_005228.5(EGFR):c.1881-851T>C

Gene: EGFR (epidermal growth factor receptor; plus strand). Cytogenetic location: 7p11.2.
Variant type: single nucleotide variant.
Coding change: c.1881-851T>C on transcript NM_005228.5 (MANE Select); 851 bases into the intron before coding-DNA position 1881, T replaced by C.
Molecular consequence: intron variant. On other transcripts: missense variant (1).
Genome position (GRCh38, 1-based): chr7:55,170,324, T>C. VCF-style: chr7-55170324-T-C. GRCh37 (hg19) VCF-style: chr7-55238017-T-C.
Other names: c.1898T>C, p.Leu633Pro (NM_201284.2); c.1746-851T>C (NM_001346899.2, NM_001346897.2); c.1080-851T>C (NM_001346941.2); c.1881-851T>C (NM_001346898.2); c.1722-851T>C (NM_001346900.2); c.1898T>C (NM_201284.1); short protein forms L633P.
Identifiers: ClinVar variation 5020708 (VCV005020708.2).
Genomic context (GRCh38, chr7:55,170,324, plus strand): 5'-AGGCCTCTCACATATTGAAATGTACTTGTCCATCTTTCTCCAGGCCAGGAAATGAGAGTC[T>C]CAAAGCCATGTTATTCTGCCTTTTTAAACTATCATCCTGTAATCAAAGTAATGATGGCAG-3'